The following is an entry in ClinVar:

NM_054012.4(ASS1):c.262C>A (p.Leu88Ile)

Gene: ASS1 (argininosuccinate synthase 1; plus strand). Cytogenetic location: 9q34.11.
Variant type: single nucleotide variant.
Coding change: c.262C>A on transcript NM_054012.4 (MANE Select); coding-DNA position 262, C replaced by A.
Protein change: p.Leu88Ile; replaces leucine 88 with isoleucine.
Molecular consequence: missense variant.
Genome position (GRCh38, 1-based): chr9:130,458,488, C>A. VCF-style: chr9-130458488-C-A. GRCh37 (hg19) VCF-style: chr9-133333875-C-A.
Other names: c.262C>A, p.Leu88Ile (NM_000050.4); short protein forms L88I.
Identifiers: ClinVar variation 426661 (VCV000426661.16), dbSNP rs895822620, ClinGen allele CA200608041.

ClinVar aggregate classification (germline): Conflicting classifications of pathogenicity. Review status: criteria provided, conflicting classifications (1 of 4 stars). 7 submissions from 7 submitters: Pathogenic (1); Likely pathogenic (2); Uncertain significance (3). 1 of the submissions does not count toward it. Last evaluated 2026-04-01.

Conditions:
Citrullinemia. Identifiers: Orphanet 187, MedGen C0175683, MONDO:0015991.
Inborn genetic diseases. Identifiers: MedGen C0950123, MeSH D030342.
Citrullinemia type I (CTNL1). Also called: ASS DEFICIENCY; argininosuccinate synthetase deficiency. Identifiers: Orphanet 247525, MedGen C4721769, MONDO:0008988, OMIM 215700.

Allele frequency attached by ClinVar (database versions not stated): gnomAD exomes below 0.00001.
gnomAD v4.1: 2 of 1,612,734 alleles (0.00012%); highest among the groups gnomAD compares: South Asian, 0.0022%; no homozygotes.

Submissions (7):

Myriad Genetics, Inc.
Classification: Uncertain significance for Citrullinemia type I. Last evaluated: 2026-04-01. Review status: criteria provided, single submitter. Criteria: Myriad Autosomal Dominant, Autosomal Recessive and X-Linked Classification Criteria (2023). Collection method: clinical testing. Allele origin: unknown.
Comment: NM_000050.4(ASS1):c.262C>A(L88I) is a missense variant classified as a variant of uncertain significance in the context of citrullinemia type 1. L88I has been observed in cases with relevant disease (PMID: 18925679, 25047749). Relevant functional assessments of this variant are not available in the literature. L88I has been observed in referenced population frequency databases. In summary, there is insufficient evidence to classify NM_000050.4(ASS1):c.262C>A(L88I) as pathogenic or benign. Please note: this variant was assessed in the context of healthy population screening.

Women's Health and Genetics/Laboratory Corporation of America, LabCorp
Classification: Likely pathogenic for Citrullinemia. Last evaluated: 2025-09-26. Review status: criteria provided, single submitter. Criteria: LabCorp Variant Classification Summary - May 2015. Collection method: clinical testing. Allele origin: germline.
Comment: Variant summary: ASS1 c.262C>A (p.Leu88Ile) results in a conservative amino acid change located in the Arginosuccinate synthase-like, N-terminal domain (IPR048267) of the encoded protein sequence. Algorithms developed to predict the effect of missense changes on protein structure and function are either unavailable or do not agree on the potential impact of this missense change. The variant allele was found at a frequency of 4e-06 in 250838 control chromosomes. c.262C>A has been observed in individual(s) affected with Citrullinemia Type I (Dimmock_2008, Barends_2014, internal data). These data indicate that the variant is likely to be associated with disease. To our knowledge, no experimental evidence demonstrating an impact on protein function has been reported. The following publications have been ascertained in the context of this evaluation (PMID: 25047749, 18925679). ClinVar contains an entry for this variant (Variation ID: 426661). Based on the evidence outlined above, the variant was classified as likely pathogenic.

Ambry Genetics
Classification: Uncertain significance for Inborn genetic diseases. Last evaluated: 2024-09-26. Review status: criteria provided, single submitter. Criteria: Ambry Variant Classification Scheme 2023. Collection method: clinical testing. Allele origin: germline.

Fulgent Genetics
Classification: Likely pathogenic for Citrullinemia type I. Last evaluated: 2024-04-05. Review status: criteria provided, single submitter. Criteria: ACMG Guidelines, 2015. Collection method: clinical testing. Allele origin: germline.

Labcorp Genetics (formerly Invitae), Labcorp
Classification: Pathogenic for Citrullinemia. Last evaluated: 2023-07-10. Review status: criteria provided, single submitter. Criteria: Invitae Variant Classification Sherloc (09022015). Collection method: clinical testing. Allele origin: germline.
Comment: For these reasons, this variant has been classified as Pathogenic. Advanced modeling of protein sequence and biophysical properties (such as structural, functional, and spatial information, amino acid conservation, physicochemical variation, residue mobility, and thermodynamic stability) performed at Invitae indicates that this missense variant is expected to disrupt ASS1 protein function. ClinVar contains an entry for this variant (Variation ID: 426661). This missense change has been observed in individual(s) with elevated citrulline or ASS1 enzyme deficiency in skin fibroblasts (PMID: 18925679, 25047749; Invitae). This variant is present in population databases (no rsID available, gnomAD 0.003%). This sequence change replaces leucine, which is neutral and non-polar, with isoleucine, which is neutral and non-polar, at codon 88 of the ASS1 protein (p.Leu88Ile).

GeneDx
Classification: Uncertain significance. Last evaluated: 2017-04-07. Review status: criteria provided, single submitter. Criteria: GeneDx Variant Classification (06012015). Collection method: clinical testing. Allele origin: germline. Affected: yes.
Comment: The L88I missense variant in the ASS1 gene has been previously reported in a homozygous state intwo asymptomatic individuals with abnormal newborn screening and elevated citrulline (Dimmock etal., 2008; Barends et al., 2014). The L88I variant is not observed in large population cohorts (Lek etal., 2016; 1000 Genomes Consortium et al., 2015; Exome Variant Server). The L88I variant is aconservative amino acid substitution, which is not likely to impact secondary protein structure asthese residues share similar properties. This substitution occurs at a position that is conserved acrossspecies. In silico analysis is inconsistent in its predictions as to whether or not the variant is damagingto the protein structure/function. Therefore, based on the currentlyavailable information, it is unclear whether this variant is a pathogenic variant or a rare benignvariant.

Counsyl
Classification: Uncertain significance for Citrullinemia type I. Last evaluated: 2018-06-05. Review status: no assertion criteria provided. Collection method: clinical testing. Allele origin: unknown. Not counted in ClinVar's aggregate classification.

Literature cited by the submitters: PubMed 18925679 (cited by 5 submitters); PubMed 25047749 (cited by 5 submitters).